The following is an entry in ClinVar:

ClinVar aggregate classification (germline): Uncertain significance. Review status: criteria provided, multiple submitters, no conflicts (2 of 4 stars). 2 submissions from 2 submitters: Uncertain significance (2). Last evaluated 2025-11-04.

Conditions:
Hereditary cancer-predisposing syndrome. Also called: Tumor predisposition; Hereditary neoplastic syndrome; Hereditary Cancer Syndrome; Neoplastic Syndromes, Hereditary. Identifiers: Orphanet 140162, MedGen C0027672, MeSH D009386, MONDO:0015356.

Submissions (2):

Labcorp Genetics (formerly Invitae), Labcorp
Classification: Uncertain significance. Last evaluated: 2025-11-04. Review status: criteria provided, single submitter. Criteria: Invitae Variant Classification Sherloc (09022015). Collection method: clinical testing. Allele origin: germline.
Comment: This variant, c.5848_5868dup, results in the insertion of 7 amino acid(s) of the POLE protein (p.Gln1950_Glu1956dup), but otherwise preserves the integrity of the reading frame. This variant is not present in population databases (gnomAD no frequency). This variant has not been reported in the literature in individuals affected with POLE-related conditions. ClinVar contains an entry for this variant (Variation ID: 578196). Experimental studies and prediction algorithms are not available or were not evaluated, and the functional significance of this variant is currently unknown. In summary, the available evidence is currently insufficient to determine the role of this variant in disease. Therefore, it has been classified as a Variant of Uncertain Significance.

Ambry Genetics
Classification: Uncertain significance for Hereditary cancer-predisposing syndrome. Last evaluated: 2025-03-28. Review status: criteria provided, single submitter. Criteria: Ambry Variant Classification Scheme 2023. Collection method: clinical testing. Allele origin: germline.
Comment: The c.5848_5868dup21 variant (also known as p.Q1950_E1956dup), located in coding exon 43 of the POLE gene, results from an in-frame duplication of 21 nucleotides at nucleotide positions 5848 to 5868. This results in the duplication of 7 residues (QENEDDE) at codons 1950 through 1956. This amino acid region is not well conserved in available vertebrate species. In addition, the in silico prediction for this alteration is inconclusive (Choi Y et al. PLoS ONE. 2012; 7(10):e46688). Based on the available evidence, the clinical significance of this variant remains unclear.

NM_006231.4(POLE):c.5848_5868dup (p.Gln1950_Glu1956dup)

Gene: POLE (DNA polymerase epsilon, catalytic subunit; minus strand). Cytogenetic location: 12q24.33.
Variant type: Duplication.
Coding change: c.5848_5868dup on transcript NM_006231.4 (MANE Select); coding-DNA positions 5848 to 5868, 21 bases duplicated (CAGGAAAATGAGGACGATGAG).
Protein change: p.Gln1950_Glu1956dup.
Molecular consequence: inframe insertion.
Genome position (GRCh38, 1-based): chr12:132,634,322-132,634,342, CTCATCGTCCTCATTTTCCTG duplicated on the plus strand (CAGGAAAATGAGGACGATGAG on the coding strand, the reverse complement: POLE is on the minus strand); duplicating any 21 consecutive bases within chr12:132,634,322-132,634,348 gives the same sequence; the c. name uses the placement nearest the transcript's 3' end. VCF-style (leftmost placement, unchanged base first): chr12-132634321-C-CCTCATCGTCCTCATTTTCCTG. GRCh37 (hg19) VCF-style: chr12-133210907-C-CCTCATCGTCCTCATTTTCCTG.
Identifiers: ClinVar variation 578196 (VCV000578196.14), dbSNP rs1302016488, ClinGen allele CA608514072.